The following is an entry in ClinVar:

NM_000551.4(VHL):c.335A>C (p.Tyr112Ser)

Gene: VHL (von Hippel-Lindau tumor suppressor; plus strand). Cytogenetic location: 3p25.3.
Variant type: single nucleotide variant.
Coding change: c.335A>C on transcript NM_000551.4 (MANE Select); coding-DNA position 335, A replaced by C.
Protein change: p.Tyr112Ser; replaces tyrosine 112 with serine.
Molecular consequence: missense variant.
Genome position (GRCh38, 1-based): chr3:10,142,182, A>C. VCF-style: chr3-10142182-A-C. GRCh37 (hg19) VCF-style: chr3-10183866-A-C.
Other names: NM_000551.4(VHL):c.335A>C; p.Tyr112Ser; c.335A>C, p.Tyr112Ser (NM_001354723.2, NM_198156.3); short protein forms Y112S.
Identifiers: ClinVar variation 1730577 (VCV001730577.6), dbSNP rs869025633, ClinGen allele CA351751356.

ClinVar aggregate classification (germline): Likely pathogenic. Review status: reviewed by expert panel (3 of 4 stars). 3 submissions from 3 submitters: Likely pathogenic (1). 2 of the submissions do not count toward it. Last evaluated 2026-11-22.

Conditions:
Von Hippel-Lindau syndrome (VHLS). Also called: von Hippel–Lindau syndrome; VHL syndrome; Von Hippel-Lindau. Identifiers: Orphanet 892, MedGen C0019562, MONDO:0008667, OMIM 193300. Disease mechanism: loss of function.
Hereditary cancer-predisposing syndrome. Also called: Neoplastic Syndromes, Hereditary; Tumor predisposition; Hereditary Cancer Syndrome; Hereditary neoplastic syndrome. Identifiers: Orphanet 140162, MedGen C0027672, MeSH D009386, MONDO:0015356.
Chuvash polycythemia. Also called: POLYCYTHEMIA, VHL-DEPENDENT. Identifiers: Orphanet 238557, MedGen C1837915, MONDO:0009892, OMIM 263400.

Submissions (3):

ClinGen VHL Variant Curation Expert Panel, ClinGen
Classification: Likely pathogenic for Von Hippel-Lindau syndrome. Last evaluated: 2026-11-22. Review status: reviewed by expert panel. Criteria: ClinGen VHL ACMG Specifications VHL V1.1.0. Collection method: curation. Allele origin: germline. Inheritance: Autosomal dominant inheritance.
Comment: The NM_000551.4:c.335A>C (p.Y112S) (rs869025633) variant in VHL is a missense variant predicted to cause substitution of Tyr by Ser at amino acid 112 (p.Tyr112Ser). The allele frequency in gnomAD v4.1 is absent, meeting PM2_Supporting. In-silico analysis produced a REVEL score of 0.928 (SIFT: Deleterious, PolyPhen: D), ≥ 0.664 the threshold, meeting PP3_Supporting. Functional studies using MAVE/SGE assay data (Buckley et al., Nat Genet 2024; via MaveDB (Rubin AF et al., MaveDB 2024, Genome Biol 2025;26:13); MaveDB: urn:mavedb:00000675-a-1) produced a score of -2.304 (q=0.000), indicating loss of function (PS3_Moderate). This variant resides within a VHL mutational hotspot or critical functional domain (PM1). Finally, other missense variants affecting the same residue but resulting in a different amino acid substitution, p.Tyr112His (c.334T>C) and p.Tyr112Asn (c.334T>A), have been established as pathogenic using VHL VCEP specifications. The Grantham distance of p.Y112S exceeds that of the established pathogenic variants p.Y112H and p.Y112N, supporting alteration at this residue and meeting the VHL VCEP PM5 criterion. In summary, this variant meets criteria to be classified as Likely Pathogenic for von Hippel-Lindau disease. ACMG/AMP criteria applied as specified by the ClinGen VHL VCEP Version 1.1.0 (Specifications approval date: 01/10/2025). Variant Approval Date 11/22/2026.

Ambry Genetics
Classification: Likely pathogenic for Hereditary cancer-predisposing syndrome. Last evaluated: 2025-11-18. Review status: criteria provided, single submitter. Criteria: Ambry Variant Classification Scheme 2023. Collection method: clinical testing. Allele origin: germline. Not counted in ClinVar's aggregate classification.
Comment: The p.Y112S variant (also known as c.335A>C), located in coding exon 1 of the VHL gene, results from an A to C substitution at nucleotide position 335. The tyrosine at codon 112 is replaced by serine, an amino acid with dissimilar properties. This amino acid position is highly conserved in available vertebrate species. In addition, this alteration is predicted to be deleterious by in silico analysis. This variant was determined to be functionally deleterious in one saturation genome editing assay (Buckley M et al. Nat Genet 2024 Jul;56(7):1446-1455). Another variant at the same codon, p.Y112H c.334T>C, has been identified in individuals with features consistent with von Hippel-Lindau syndrome (Ambry internal data). Based on the majority of available evidence to date, this variant is likely to be pathogenic.

Labcorp Genetics (formerly Invitae), Labcorp
Classification: Pathogenic for Von Hippel-Lindau syndrome; Chuvash polycythemia. Last evaluated: 2024-10-07. Review status: criteria provided, single submitter. Criteria: Invitae Variant Classification Sherloc (09022015). Collection method: clinical testing. Allele origin: germline. Not counted in ClinVar's aggregate classification.
Comment: This sequence change replaces tyrosine, which is neutral and polar, with serine, which is neutral and polar, at codon 112 of the VHL protein (p.Tyr112Ser). This variant is not present in population databases (gnomAD no frequency). This missense change has been observed in individual(s) with clinical features of von Hippel-Lindau syndrome (internal data). ClinVar contains an entry for this variant (Variation ID: 1730577). Invitae Evidence Modeling of protein sequence and biophysical properties (such as structural, functional, and spatial information, amino acid conservation, physicochemical variation, residue mobility, and thermodynamic stability) indicates that this missense variant is expected to disrupt VHL protein function with a positive predictive value of 95%. This variant disrupts the p.Tyr112 amino acid residue in VHL. Other variant(s) that disrupt this residue have been determined to be pathogenic (PMID: 7728151, 8863170, 10533030, 11331613, 15574766, 19030229, 19602254, 21204227, 24002598). This suggests that this residue is clinically significant, and that variants that disrupt this residue are likely to be disease-causing. For these reasons, this variant has been classified as Pathogenic.

Literature cited by the submitters: PubMed 7728151 (cited by Labcorp Genetics (formerly Invitae), Labcorp); PubMed 8863170 (cited by Labcorp Genetics (formerly Invitae), Labcorp); PubMed 10533030 (cited by Labcorp Genetics (formerly Invitae), Labcorp); PubMed 11331613 (cited by Labcorp Genetics (formerly Invitae), Labcorp); PubMed 15574766 (cited by Labcorp Genetics (formerly Invitae), Labcorp); PubMed 19030229 (cited by Labcorp Genetics (formerly Invitae), Labcorp); PubMed 19602254 (cited by Labcorp Genetics (formerly Invitae), Labcorp); PubMed 21204227 (cited by Labcorp Genetics (formerly Invitae), Labcorp); PubMed 24002598 (cited by Labcorp Genetics (formerly Invitae), Labcorp).